The following is an entry in ClinVar:

ClinVar aggregate classification (germline): Uncertain significance. Review status: criteria provided, multiple submitters, no conflicts (2 of 4 stars). 2 submissions from 2 submitters: Uncertain significance (2). Last evaluated 2023-07-02.

Submissions (2):

GeneDx
Classification: Uncertain significance. Last evaluated: 2023-07-02. Review status: criteria provided, single submitter. Criteria: GeneDx Variant Classification Process June 2021. Collection method: clinical testing. Allele origin: germline. Affected: yes.
Comment: Not observed at significant frequency in large population cohorts (gnomAD); In silico analysis supports that this missense variant has a deleterious effect on protein structure/function; Has not been previously published as pathogenic or benign to our knowledge

Revvity Omics, Revvity
Classification: Uncertain significance. Last evaluated: 2023-03-30. Review status: criteria provided, single submitter. Criteria: ACMG Guidelines, 2015. Collection method: clinical testing. Allele origin: germline.

NM_004369.4(COL6A3):c.4019T>C (p.Leu1340Pro)

Gene: COL6A3 (collagen type VI alpha 3 chain; minus strand). Cytogenetic location: 2q37.3.
Variant type: single nucleotide variant.
Coding change: c.4019T>C on transcript NM_004369.4 (MANE Select); coding-DNA position 4019, T replaced by C.
Protein change: p.Leu1340Pro; replaces leucine 1340 with proline.
Molecular consequence: missense variant.
Genome position (GRCh38, 1-based): chr2:237,371,998, A>G on the plus strand (T>C on the coding strand, the complement: COL6A3 is on the minus strand). VCF-style: chr2-237371998-A-G. GRCh37 (hg19) VCF-style: chr2-238280641-A-G.
Other names: c.2798T>C, p.Leu933Pro (NM_057164.5); c.3401T>C, p.Leu1134Pro (NM_057165.5, NM_057167.4); c.2198T>C, p.Leu733Pro (NM_057166.5); short protein forms L1134P, L1340P, L733P, L933P.
Identifiers: ClinVar variation 2688847 (VCV002688847.3), dbSNP rs2469896981, ClinGen allele CA351197369.